The following is an entry in ClinVar:

NM_001135649.3(FOXI3):c.1174G>A (p.Gly392Arg)

Gene: FOXI3 (forkhead box I3; minus strand). Cytogenetic location: 2p11.2.
Variant type: single nucleotide variant.
Coding change: c.1174G>A on transcript NM_001135649.3 (MANE Select); coding-DNA position 1174, G replaced by A.
Protein change: p.Gly392Arg; replaces glycine 392 with arginine.
Molecular consequence: missense variant.
Genome position (GRCh38, 1-based): chr2:88,448,296, C>T on the plus strand (G>A on the coding strand, the complement: FOXI3 is on the minus strand). VCF-style: chr2-88448296-C-T. GRCh37 (hg19) VCF-style: chr2-88747815-C-T.
Other names: short protein forms G392R.
Identifiers: ClinVar variation 1939961 (VCV001939961.5), dbSNP rs1230707744, ClinGen allele CA347764179.

ClinVar aggregate classification (germline): Uncertain significance (1 of 4 stars; one submission).

Allele frequency attached by ClinVar (database versions not stated): TOPMed below 0.00001.

Submission:

Labcorp Genetics (formerly Invitae), Labcorp
Classification: Uncertain significance. Last evaluated: 2022-07-30. Review status: criteria provided, single submitter. Criteria: Invitae Variant Classification Sherloc (09022015). Collection method: clinical testing. Allele origin: germline.
Comment: In summary, the available evidence is currently insufficient to determine the role of this variant in disease. Therefore, it has been classified as a Variant of Uncertain Significance. Experimental studies and prediction algorithms are not available or were not evaluated, and the functional significance of this variant is currently unknown. This variant has not been reported in the literature in individuals affected with FOXI3-related conditions. This variant is present in population databases (no rsID available, gnomAD 0.002%). This sequence change replaces glycine, which is neutral and non-polar, with arginine, which is basic and polar, at codon 392 of the FOXI3 protein (p.Gly392Arg).